The following is an entry in ClinVar:

NM_005802.5(TOPORS):c.1040G>A (p.Arg347Gln)

Gene: TOPORS (TOP1 binding arginine/serine rich protein, E3 ubiquitin ligase; minus strand). Cytogenetic location: 9p21.1.
Variant type: single nucleotide variant.
Coding change: c.1040G>A on transcript NM_005802.5 (MANE Select); coding-DNA position 1040, G replaced by A.
Protein change: p.Arg347Gln; replaces arginine 347 with glutamine.
Molecular consequence: missense variant.
Genome position (GRCh38, 1-based): chr9:32,543,485, C>T on the plus strand (G>A on the coding strand, the complement: TOPORS is on the minus strand). VCF-style: chr9-32543485-C-T. GRCh37 (hg19) VCF-style: chr9-32543483-C-T.
Other names: c.845G>A, p.Arg282Gln (NM_001195622.2); short protein forms R282Q, R347Q.
Identifiers: ClinVar variation 942155 (VCV000942155.9), dbSNP rs903788186, ClinGen allele CA192359298.

ClinVar aggregate classification (germline): Uncertain significance (1 of 4 stars; one submission).

Allele frequency attached by ClinVar (database versions not stated): gnomAD exomes below 0.00001; TOPMed 0.00001.

Submission:

Labcorp Genetics (formerly Invitae), Labcorp
Classification: Uncertain significance. Last evaluated: 2023-06-09. Review status: criteria provided, single submitter. Criteria: Invitae Variant Classification Sherloc (09022015). Collection method: clinical testing. Allele origin: germline.
Comment: This sequence change replaces arginine, which is basic and polar, with glutamine, which is neutral and polar, at codon 347 of the TOPORS protein (p.Arg347Gln). In summary, the available evidence is currently insufficient to determine the role of this variant in disease. Therefore, it has been classified as a Variant of Uncertain Significance. An algorithm developed to predict the effect of missense changes on protein structure and function (PolyPhen-2) suggests that this variant is likely to be disruptive. ClinVar contains an entry for this variant (Variation ID: 942155). This variant has not been reported in the literature in individuals affected with TOPORS-related conditions. This variant is not present in population databases (gnomAD no frequency).